The following is an entry in ClinVar:

ClinVar aggregate classification (germline): Pathogenic (1 of 4 stars; one submission).

Conditions:
Carpenter syndrome. Identifiers: Orphanet 65759, MedGen C1275078, MONDO:0019012.

Submission:

Labcorp Genetics (formerly Invitae), Labcorp
Classification: Pathogenic for Carpenter syndrome. Last evaluated: 2022-12-21. Review status: criteria provided, single submitter. Criteria: Invitae Variant Classification Sherloc (09022015). Collection method: clinical testing. Allele origin: unknown.
Comment: For these reasons, this variant has been classified as Pathogenic. This variant has not been reported in the literature in individuals affected with RAB23-related conditions. This variant is a gross deletion of the genomic region encompassing exon(s) 4 of the RAB23 gene. This deletion is out-of-frame, and is expected to create a premature termination codon and result in an absent or disrupted protein product. Loss-of-function variants in RAB23 are known to be pathogenic (PMID: 17503333, 21412941).

Literature cited by the submitters: PubMed 17503333; PubMed 21412941.

NC_000006.11:g.(?_57061071)_(57061424_?)del

Gene: RAB23 (RAB23, member RAS oncogene family; minus strand). Cytogenetic location: 6p11.2.
Variant type: Deletion.
Identifiers: ClinVar variation 3245988 (VCV003245988.1).